The following is an entry in ClinVar:

NM_013275.6(ANKRD11):c.4582G>A (p.Ala1528Thr)

Gene: ANKRD11 (ankyrin repeat domain 11; minus strand). Cytogenetic location: 16q24.3.
Variant type: single nucleotide variant.
Coding change: c.4582G>A on transcript NM_013275.6 (MANE Select); coding-DNA position 4582, G replaced by A.
Protein change: p.Ala1528Thr; replaces alanine 1528 with threonine.
Molecular consequence: missense variant.
Genome position (GRCh38, 1-based): chr16:89,281,960, C>T on the plus strand (G>A on the coding strand, the complement: ANKRD11 is on the minus strand). VCF-style: chr16-89281960-C-T. GRCh37 (hg19) VCF-style: chr16-89348368-C-T.
Other names: c.4582G>A, p.Ala1528Thr (NM_001256182.2, NM_001256183.2); short protein forms A1528T.
Identifiers: ClinVar variation 1300323 (VCV001300323.4), dbSNP rs2151749063, ClinGen allele CA397157265.

ClinVar aggregate classification (germline): Conflicting classifications of pathogenicity. Review status: criteria provided, conflicting classifications (1 of 4 stars). 3 submissions from 3 submitters: Uncertain significance (2); Likely benign (1). Last evaluated 2026-01-20.

Conditions:
ANKRD11-related disorder. Also called: ANKRD11-related condition.
KBG syndrome (KBGS). Also called: ANKRD11-Related KBG Syndrome. Identifiers: Orphanet 2332, MedGen C0220687, MONDO:0007846, OMIM 148050.

gnomAD v4.1: 19 of 1,612,772 alleles (0.0012%); highest among the groups gnomAD compares: Non-Finnish European, 0.0014%; no homozygotes.

Submissions (3):

PreventionGenetics, part of Exact Sciences
Classification: Uncertain significance for ANKRD11-related condition. Last evaluated: 2026-01-20. Review status: criteria provided, single submitter. Criteria: ACMG Guidelines, 2015. Collection method: clinical testing. Allele origin: germline.
Comment: The ANKRD11 c.4582G>A variant is predicted to result in the amino acid substitution p.Ala1528Thr. To our knowledge, this variant has not been reported in the literature or in a large population database (gnomAD), indicating this variant is rare. At this time, the clinical significance of this variant is uncertain due to the absence of conclusive functional and genetic evidence.

Labcorp Genetics (formerly Invitae), Labcorp
Classification: Uncertain significance for KBG syndrome. Last evaluated: 2025-12-21. Review status: criteria provided, single submitter. Criteria: Invitae Variant Classification Sherloc (09022015). Collection method: clinical testing. Allele origin: germline.
Comment: This sequence change replaces alanine, which is neutral and non-polar, with threonine, which is neutral and polar, at codon 1528 of the ANKRD11 protein (p.Ala1528Thr). This variant is not present in population databases (gnomAD no frequency). This variant has not been reported in the literature in individuals affected with ANKRD11-related conditions. ClinVar contains an entry for this variant (Variation ID: 1300323). Invitae Evidence Modeling of protein sequence and biophysical properties (such as structural, functional, and spatial information, amino acid conservation, physicochemical variation, residue mobility, and thermodynamic stability) indicates that this missense variant is not expected to disrupt ANKRD11 protein function with a negative predictive value of 95%. In summary, the available evidence is currently insufficient to determine the role of this variant in disease. Therefore, it has been classified as a Variant of Uncertain Significance.

GeneDx
Classification: Likely benign. Last evaluated: 2021-03-23. Review status: criteria provided, single submitter. Criteria: GeneDx Variant Classification Process June 2021. Collection method: clinical testing. Allele origin: germline. Affected: yes.